The following is an entry in ClinVar:

ClinVar aggregate classification (germline): Conflicting classifications of pathogenicity. Review status: criteria provided, conflicting classifications (1 of 4 stars). 4 submissions from 4 submitters: Likely pathogenic (1); Uncertain significance (1). 2 of the submissions do not count toward it. Last evaluated 2026-09-28.

Conditions:
Autosomal dominant nonsyndromic hearing loss 66. Also called: Deafness, autosomal dominant 66. Identifiers: Orphanet 90635, MedGen C4283893, MONDO:0014854, OMIM 616969.

Allele frequency attached by ClinVar (database versions not stated): gnomAD exomes below 0.00001.

Submissions (4):

GeneDx
Classification: Likely pathogenic. Last evaluated: 2026-09-28. Review status: criteria provided, single submitter. Criteria: GeneDx Variant Classification Process June 2021. Collection method: clinical testing. Allele origin: germline.
Comment: Published functional studies demonstrate a damaging effect; variant protein is retained in the plasma cell membrane rather than endo-lysosomal compartments (PMID: 26197441); Nonsense variant predicted to result in protein truncation, although loss-of-function variants have not been reported downstream of this position in the protein; Not observed at significant frequency in large population cohorts (gnomAD); This variant is associated with the following publications: (PMID: 28255817, 26197441, 35254497, 36454368)

Blueprint Genetics
Classification: Uncertain significance. Last evaluated: 2022-06-10. Review status: criteria provided, single submitter. Criteria: ACMG Guidelines, 2015. Collection method: clinical testing. Allele origin: germline.

Baylor Genetics
Classification: Likely pathogenic for Autosomal dominant nonsyndromic hearing loss 66. Last evaluated: 2023-01-07. Review status: flagged submission. Criteria: ACMG Guidelines, 2015. Collection method: clinical testing. Allele origin: unknown. Not counted in ClinVar's aggregate classification.
ClinVar note: Notes: Flagging candidate with reason of insufficient supporting evidence. This gene has been classified as having a limited gene-disease relationship by a ClinGen Expert Panel.
ClinVar note: Reason: Other

OMIM
Classification: Pathogenic for DEAFNESS, AUTOSOMAL DOMINANT 66 (1 family). Last evaluated: 2019-07-30. Review status: flagged submission. Collection method: literature only. Allele origin: germline. Not counted in ClinVar's aggregate classification.
ClinVar note: Notes: Flagging candidate with reason of insufficient supporting evidence. This gene has been classified as having a limited gene-disease relationship by a ClinGen Expert Panel.
ClinVar note: Reason: Other

Literature cited by the submitters: PubMed 26197441 (cited by OMIM).

NM_006016.6(CD164):c.574C>T (p.Arg192Ter)

Gene: CD164 (CD164 molecule; minus strand). Cytogenetic location: 6q21.
Variant type: single nucleotide variant.
Coding change: c.574C>T on transcript NM_006016.6 (MANE Select); coding-DNA position 574, C replaced by T.
Protein change: p.Arg192Ter; replaces arginine 192 with a stop codon.
Molecular consequence: nonsense. On other transcripts: intron variant (2).
Genome position (GRCh38, 1-based): chr6:109,368,871, G>A on the plus strand (C>T on the coding strand, the complement: CD164 is on the minus strand). VCF-style: chr6-109368871-G-A. GRCh37 (hg19) VCF-style: chr6-109690074-G-A.
Other names: c.535C>T, p.Arg179Ter (NM_001142401.3); c.517C>T, p.Arg173Ter (NM_001142402.3); c.472C>T, p.Arg158Ter (NM_001346500.2); c.428-546C>T (NM_001142404.3); c.523+51C>T (NM_001142403.3); short protein forms R192*, R173*, R158*, R179*.
Identifiers: ClinVar variation 235130 (VCV000235130.6), dbSNP rs876661402, ClinGen allele CA10581228.
Genomic context (GRCh38, chr6:109,368,871, plus strand): 5'-ACAAATGAATCACCAGTCCTTATTAATTCAATGGGTCTGTTTACAGAGTGTGGTAATTTC[G>A]TTCTTTAGATTTGCAGAATTTATAAAGAAAGAAAATTACAGCCTGCACACCCAAGACCAG-3'